The following is an entry in ClinVar:

ClinVar aggregate classification (germline): Benign/Likely benign. Review status: criteria provided, multiple submitters, no conflicts (2 of 4 stars). 3 submissions from 3 submitters: Benign (1); Likely benign (2). Last evaluated 2024-06-06.

Conditions:
Hereditary cancer-predisposing syndrome. Also called: Neoplastic Syndromes, Hereditary; Hereditary Cancer Syndrome; Tumor predisposition; Hereditary neoplastic syndrome. Identifiers: Orphanet 140162, MedGen C0027672, MeSH D009386, MONDO:0015356.
Ataxia-telangiectasia syndrome (AT). Also called: LOUIS-BAR SYNDROME; Cerebello-oculocutaneous telangiectasia; Immunodeficiency with ataxia telangiectasia; Ataxia-telangiectasia, complementation group D; AT, COMPLEMENTATION GROUP C; Ataxia-telangiectasia, complementation group E. Identifiers: Orphanet 100, MedGen C0004135, MONDO:0008840, OMIM 208900.
Familial cancer of breast. Also called: Hereditary breast cancer; BREAST CANCER, FAMILIAL; hereditary breast carcinoma. Identifiers: Orphanet 227535, MedGen C0346153, MONDO:0016419, OMIM 114480. Disease mechanism: loss of function.

Submissions (3):

Myriad Genetics, Inc.
Classification: Benign for Familial cancer of breast. Last evaluated: 2024-06-06. Review status: criteria provided, single submitter. Criteria: Myriad Autosomal Dominant, Autosomal Recessive and X-Linked Classification Criteria (2023). Collection method: clinical testing. Allele origin: unknown.
Comment: This variant is considered benign. This variant is a silent/synonymous amino acid change and it is not expected to impact splicing.

Labcorp Genetics (formerly Invitae), Labcorp
Classification: Likely benign for Ataxia-telangiectasia syndrome. Last evaluated: 2024-02-27. Review status: criteria provided, single submitter. Criteria: Invitae Variant Classification Sherloc (09022015). Collection method: clinical testing. Allele origin: germline.

Ambry Genetics
Classification: Likely benign for Hereditary cancer-predisposing syndrome. Last evaluated: 2016-12-09. Review status: criteria provided, single submitter. Criteria: Ambry Variant Classification Scheme 2023. Collection method: clinical testing. Allele origin: germline.

NM_000051.4(ATM):c.6390T>C (p.Asn2130=)

Genes: ATM (ATM serine/threonine kinase; plus strand), C11orf65 (chromosome 11 open reading frame 65; minus strand). Cytogenetic location: 11q22.3.
Variant type: single nucleotide variant.
Coding change: c.6390T>C on transcript NM_000051.4 (MANE Select); coding-DNA position 6390, T replaced by C.
Protein change: p.Asn2130=; no amino-acid change (asparagine 2130 retained).
Molecular consequence: synonymous variant. On other transcripts: intron variant (2).
Genome position (GRCh38, 1-based): chr11:108,319,996, T>C. VCF-style: chr11-108319996-T-C. GRCh37 (hg19) VCF-style: chr11-108190723-T-C.
Other names: c.6390T>C, p.Asn2130= (NM_001351834.2); c.641-10925A>G (NM_001330368.2); c.*39-10925A>G (NM_001351110.2).
Identifiers: ClinVar variation 479054 (VCV000479054.14), dbSNP rs1555116433, ClinGen allele CA476676075.